The following is an entry in ClinVar:

NM_013275.6(ANKRD11):c.5480C>T (p.Pro1827Leu)

Gene: ANKRD11 (ankyrin repeat domain 11; minus strand). Cytogenetic location: 16q24.3.
Variant type: single nucleotide variant.
Coding change: c.5480C>T on transcript NM_013275.6 (MANE Select); coding-DNA position 5480, C replaced by T.
Protein change: p.Pro1827Leu; replaces proline 1827 with leucine.
Molecular consequence: missense variant.
Genome position (GRCh38, 1-based): chr16:89,281,062, G>A on the plus strand (C>T on the coding strand, the complement: ANKRD11 is on the minus strand). VCF-style: chr16-89281062-G-A. GRCh37 (hg19) VCF-style: chr16-89347470-G-A.
Other names: c.5480C>T (NM_013275.4); c.5480C>T, p.Pro1827Leu (NM_001256182.2, NM_001256183.2); short protein forms P1827L.
Identifiers: ClinVar variation 2083846 (VCV002083846.5), dbSNP rs778780920, ClinGen allele CA8241829.
Genomic context (GRCh38, chr16:89,281,062, plus strand): 5'-GACAAGCAGGCAAACTTCTCCGCGGGAACCGGGGGCAGGGGCGCCCTGTCTTCCATCGAG[G>A]GTGGCATGGGAGAGTCGTAGCTGGAGGCAGCAGGAACGCTCTGCTGCCTGAAGAGCTTGT-3'
Protein context (NP_037407.4, residues 1817-1837): AASSYDSPMP[Pro1827Leu]SMEDRAPLPP

ClinVar aggregate classification (germline): Conflicting classifications of pathogenicity. Review status: criteria provided, conflicting classifications (1 of 4 stars). 2 submissions from 2 submitters: Uncertain significance (1); Likely benign (1). Last evaluated 2025-03-16.

Conditions:
Inborn genetic diseases. Identifiers: MedGen C0950123, MeSH D030342.
KBG syndrome (KBGS). Also called: ANKRD11-Related KBG Syndrome. Identifiers: Orphanet 2332, MedGen C0220687, MONDO:0007846, OMIM 148050.

gnomAD v4.1: 17 of 1,606,648 alleles (0.0011%); highest among the groups gnomAD compares: African/African-American, 0.0094%; no homozygotes.

Submissions (2):

Labcorp Genetics (formerly Invitae), Labcorp
Classification: Uncertain significance for KBG syndrome. Last evaluated: 2025-03-16. Review status: criteria provided, single submitter. Criteria: Invitae Variant Classification Sherloc (09022015). Collection method: clinical testing. Allele origin: germline.
Comment: This sequence change replaces proline, which is neutral and non-polar, with leucine, which is neutral and non-polar, at codon 1827 of the ANKRD11 protein (p.Pro1827Leu). This variant is present in population databases (rs778780920, gnomAD 0.02%). This variant has not been reported in the literature in individuals affected with ANKRD11-related conditions. ClinVar contains an entry for this variant (Variation ID: 2083846). Invitae Evidence Modeling of protein sequence and biophysical properties (such as structural, functional, and spatial information, amino acid conservation, physicochemical variation, residue mobility, and thermodynamic stability) indicates that this missense variant is not expected to disrupt ANKRD11 protein function with a negative predictive value of 95%. In summary, the available evidence is currently insufficient to determine the role of this variant in disease. Therefore, it has been classified as a Variant of Uncertain Significance.

Ambry Genetics
Classification: Likely benign for Inborn genetic diseases. Last evaluated: 2024-06-19. Review status: criteria provided, single submitter. Criteria: Ambry Variant Classification Scheme 2023. Collection method: clinical testing. Allele origin: germline.